The following is an entry in ClinVar:

NM_173630.4(RTTN):c.1091T>C (p.Leu364Pro)

Gene: RTTN (rotatin; minus strand). Cytogenetic location: 18q22.2.
Variant type: single nucleotide variant.
Coding change: c.1091T>C on transcript NM_173630.4 (MANE Select); coding-DNA position 1091, T replaced by C.
Protein change: p.Leu364Pro; replaces leucine 364 with proline.
Molecular consequence: missense variant. On other transcripts: 5 prime UTR variant (1).
Genome position (GRCh38, 1-based): chr18:70,190,636, A>G on the plus strand (T>C on the coding strand, the complement: RTTN is on the minus strand). VCF-style: chr18-70190636-A-G. GRCh37 (hg19) VCF-style: chr18-67857872-A-G.
Other names: c.-1463T>C (NM_001318520.2); short protein forms L364P.
Identifiers: ClinVar variation 4076393 (VCV004076393.1).

ClinVar aggregate classification (germline): Uncertain significance (1 of 4 stars; one submission).

Conditions:
Microcephalic primordial dwarfism due to RTTN deficiency (MSSP). Also called: Microcephaly, short stature, and polymicrogyria with or without seizures; MICROCEPHALY, SHORT STATURE, AND POLYMICROGYRIA. Identifiers: Orphanet 468631, MedGen C3553831, MONDO:0018764, OMIM 614833.

gnomAD v4.1: 1 of 1,613,794 alleles (0.000062%); highest among the groups gnomAD compares: Non-Finnish European, 0.000085%; no homozygotes.

Submission:

Laboratorio de Genetica e Diagnostico Molecular, Hospital Israelita Albert Einstein
Classification: Uncertain significance for Microcephalic primordial dwarfism due to RTTN deficiency. Last evaluated: 2023-11-28. Review status: criteria provided, single submitter. Criteria: ACMG Guidelines, 2015. Collection method: clinical testing. Allele origin: germline. Affected: yes.
Comment: ACMG classification criteria: PM2 moderate, BP4 supporting